The following is an entry in ClinVar:

NM_031935.3(HMCN1):c.8579A>G (p.Gln2860Arg)

Gene: HMCN1 (hemicentin 1; plus strand). Cytogenetic location: 1q31.1.
Variant type: single nucleotide variant.
Coding change: c.8579A>G on transcript NM_031935.3 (MANE Select); coding-DNA position 8579, A replaced by G.
Protein change: p.Gln2860Arg; replaces glutamine 2860 with arginine.
Molecular consequence: missense variant.
Genome position (GRCh38, 1-based): chr1:186,078,200, A>G. VCF-style: chr1-186078200-A-G. GRCh37 (hg19) VCF-style: chr1-186047332-A-G.
Other names: c.8579A>G (NM_031935.2); short protein forms Q2860R.
Identifiers: ClinVar variation 1987027 (VCV001987027.7), dbSNP rs746105331, ClinGen allele CA1293162.

ClinVar aggregate classification (germline): Uncertain significance. Review status: criteria provided, multiple submitters, no conflicts (2 of 4 stars). 3 submissions from 3 submitters: Uncertain significance (3). Last evaluated 2025-12-24.

Conditions:
Age related macular degeneration 1 (ARMD1). Also called: MACULOPATHY, AGE-RELATED, 1. Identifiers: MedGen C1864205, MONDO:0011285, OMIM 603075.

Allele frequency attached by ClinVar (database versions not stated): TOPMed below 0.00001; ExAC 0.00001; gnomAD exomes 0.00001.
gnomAD v4.1: 9 of 1,610,918 alleles (0.00056%); highest among the groups gnomAD compares: Non-Finnish European, 0.00076%; no homozygotes.

Submissions (3):

Labcorp Genetics (formerly Invitae), Labcorp
Classification: Uncertain significance. Last evaluated: 2025-12-24. Review status: criteria provided, single submitter. Criteria: Invitae Variant Classification Sherloc (09022015). Collection method: clinical testing. Allele origin: germline.
Comment: This sequence change replaces glutamine, which is neutral and polar, with arginine, which is basic and polar, at codon 2860 of the HMCN1 protein (p.Gln2860Arg). This variant is present in population databases (rs746105331, gnomAD 0.002%). This variant has not been reported in the literature in individuals affected with HMCN1-related conditions. ClinVar contains an entry for this variant (Variation ID: 1987027). An algorithm developed to predict the effect of missense changes on protein structure and function (PolyPhen-2) suggests that this variant is likely to be tolerated. In summary, the available evidence is currently insufficient to determine the role of this variant in disease. Therefore, it has been classified as a Variant of Uncertain Significance.

Genome-Nilou Lab
Classification: Uncertain significance for Age related macular degeneration 1. Last evaluated: 2023-04-11. Review status: criteria provided, single submitter. Criteria: ACMG Guidelines, 2015. Collection method: clinical testing. Allele origin: germline. Affected: no.

Ambry Genetics
Classification: Uncertain significance. Last evaluated: 2023-03-24. Review status: criteria provided, single submitter. Criteria: Ambry Variant Classification Scheme 2023. Collection method: clinical testing. Allele origin: germline.